The following is an entry in ClinVar:

NM_003482.4(KMT2D):c.657G>C (p.Glu219Asp)

Gene: KMT2D (lysine methyltransferase 2D; minus strand). Cytogenetic location: 12q13.12.
Variant type: single nucleotide variant.
Coding change: c.657G>C on transcript NM_003482.4 (MANE Select); coding-DNA position 657, G replaced by C.
Protein change: p.Glu219Asp; replaces glutamic acid 219 with aspartic acid.
Molecular consequence: missense variant.
Genome position (GRCh38, 1-based): chr12:49,053,994, C>G on the plus strand (G>C on the coding strand, the complement: KMT2D is on the minus strand). VCF-style: chr12-49053994-C-G. GRCh37 (hg19) VCF-style: chr12-49447777-C-G.
Other names: short protein forms E219D.
Identifiers: ClinVar variation 2815124 (VCV002815124.3), dbSNP rs1938244763, ClinGen allele CA384684590.

ClinVar aggregate classification (germline): Uncertain significance (1 of 4 stars; one submission).

Conditions:
Kabuki syndrome. Also called: Kabuki make-up syndrome; NIIKAWA-KUROKI SYNDROME. Identifiers: Orphanet 2322, MedGen C0796004, MONDO:0016512.

Submission:

Labcorp Genetics (formerly Invitae), Labcorp
Classification: Uncertain significance for Kabuki syndrome. Last evaluated: 2024-06-17. Review status: criteria provided, single submitter. Criteria: Invitae Variant Classification Sherloc (09022015). Collection method: clinical testing. Allele origin: germline.
Comment: This sequence change replaces glutamic acid, which is acidic and polar, with aspartic acid, which is acidic and polar, at codon 219 of the KMT2D protein (p.Glu219Asp). This variant is not present in population databases (gnomAD no frequency). This variant has not been reported in the literature in individuals affected with KMT2D-related conditions. Advanced modeling of protein sequence and biophysical properties (such as structural, functional, and spatial information, amino acid conservation, physicochemical variation, residue mobility, and thermodynamic stability) performed at Invitae indicates that this missense variant is not expected to disrupt KMT2D protein function with a negative predictive value of 95%. In summary, the available evidence is currently insufficient to determine the role of this variant in disease. Therefore, it has been classified as a Variant of Uncertain Significance.